The following is an entry in ClinVar:

NM_006361.6(HOXB13):c.183G>T (p.Lys61Asn)

Gene: HOXB13 (homeobox B13; minus strand). Cytogenetic location: 17q21.32.
Variant type: single nucleotide variant.
Coding change: c.183G>T on transcript NM_006361.6 (MANE Select); coding-DNA position 183, G replaced by T.
Protein change: p.Lys61Asn; replaces lysine 61 with asparagine.
Molecular consequence: missense variant.
Genome position (GRCh38, 1-based): chr17:48,728,411, C>A on the plus strand (G>T on the coding strand, the complement: HOXB13 is on the minus strand). VCF-style: chr17-48728411-C-A. GRCh37 (hg19) VCF-style: chr17-46805773-C-A.
Other names: short protein forms K61N.
Identifiers: ClinVar variation 1781140 (VCV001781140.5), dbSNP rs541519790, ClinGen allele CA400108022.
Genomic context (GRCh38, chr17:48,728,411, plus strand): 5'-ACCATAAGGCACGGGAGCTGGGGACGTCCCCTGGGGCACCCCAGGGCATGGGTGGCATTG[C>A]TTTGGCGGCTCCGCCGAGCCTGGCAGATCCAAGGGGGCATAGTTGACAGCAGGCATCAGC-3'
Protein context (NP_006352.2, residues 51-71): LDLPGSAEPP[Lys61Asn]QCHPCPGVPQ

ClinVar aggregate classification (germline): Uncertain significance. Review status: criteria provided, multiple submitters, no conflicts (2 of 4 stars). 2 submissions from 2 submitters: Uncertain significance (2). Last evaluated 2022-12-31.

Conditions:
Hereditary cancer-predisposing syndrome. Also called: Neoplastic Syndromes, Hereditary; Tumor predisposition; Hereditary Cancer Syndrome; Hereditary neoplastic syndrome. Identifiers: Orphanet 140162, MedGen C0027672, MeSH D009386, MONDO:0015356.

Submissions (2):

Labcorp Genetics (formerly Invitae), Labcorp
Classification: Uncertain significance. Last evaluated: 2022-12-31. Review status: criteria provided, single submitter. Criteria: Invitae Variant Classification Sherloc (09022015). Collection method: clinical testing. Allele origin: germline.
Comment: In summary, the available evidence is currently insufficient to determine the role of this variant in disease. Therefore, it has been classified as a Variant of Uncertain Significance. Algorithms developed to predict the effect of missense changes on protein structure and function are either unavailable or do not agree on the potential impact of this missense change (SIFT: "Tolerated"; PolyPhen-2: "Probably Damaging"; Align-GVGD: "Class C0"). ClinVar contains an entry for this variant (Variation ID: 1781140). This variant has not been reported in the literature in individuals affected with HOXB13-related conditions. This variant is not present in population databases (gnomAD no frequency). This sequence change replaces lysine, which is basic and polar, with asparagine, which is neutral and polar, at codon 61 of the HOXB13 protein (p.Lys61Asn).

Ambry Genetics
Classification: Uncertain significance for Hereditary cancer-predisposing syndrome. Last evaluated: 2022-03-29. Review status: criteria provided, single submitter. Criteria: Ambry Variant Classification Scheme 2023. Collection method: clinical testing. Allele origin: germline.
Comment: The p.K61N variant (also known as c.183G>T), located in coding exon 1 of the HOXB13 gene, results from a G to T substitution at nucleotide position 183. The lysine at codon 61 is replaced by asparagine, an amino acid with similar properties. This amino acid position is conserved. In addition, this alteration is predicted to be tolerated by in silico analysis. Since supporting evidence is limited at this time, the clinical significance of this alteration remains unclear.